The following is an entry in ClinVar:

NM_000059.4(BRCA2):c.5707A>G (p.Ile1903Val)

Gene: BRCA2 (BRCA2 DNA repair associated; plus strand). Cytogenetic location: 13q13.1.
Variant type: single nucleotide variant.
Coding change: c.5707A>G on transcript NM_000059.4 (MANE Select); coding-DNA position 5707, A replaced by G.
Protein change: p.Ile1903Val; replaces isoleucine 1903 with valine.
Molecular consequence: missense variant.
Genome position (GRCh38, 1-based): chr13:32,340,062, A>G. VCF-style: chr13-32340062-A-G. GRCh37 (hg19) VCF-style: chr13-32914199-A-G.
Other names: short protein forms I1903V.
Identifiers: ClinVar variation 232588 (VCV000232588.22), dbSNP rs431825333, ClinGen allele CA10579665.

ClinVar aggregate classification (germline): Conflicting classifications of pathogenicity. Review status: criteria provided, conflicting classifications (1 of 4 stars). 6 submissions from 6 submitters: Uncertain significance (5); Likely benign (1). Last evaluated 2025-04-17.

Conditions:
Hereditary cancer-predisposing syndrome. Also called: Hereditary Cancer Syndrome; Neoplastic Syndromes, Hereditary; Tumor predisposition; Hereditary neoplastic syndrome. Identifiers: Orphanet 140162, MedGen C0027672, MeSH D009386, MONDO:0015356.
Hereditary breast ovarian cancer syndrome. Also called: Hereditary breast and/or ovarian cancer syndrome; BRCA1- and BRCA2-Associated Hereditary Breast and Ovarian Cancer; Hereditary breast and ovarian cancer syndrome (HBOC); Hereditary breast and ovarian cancer; Hereditary breast and ovarian cancer syndrome; Breast and ovarian cancer. Identifiers: Orphanet 145, MedGen C0677776, MeSH D061325, MONDO:0003582. Disease mechanism: loss of function.
Medulloblastoma (MDB). Also called: Medulloblastoma, somatic; MEDULLOBLASTOMA PREDISPOSITION SYNDROME. Identifiers: Orphanet 616, MedGen C0025149, MeSH D008527, MONDO:0007959, OMIM 155255, HP:0002885.
Breast-ovarian cancer, familial, susceptibility to, 2 (BROVCA2). Also called: BRCA2 Hereditary Breast and Ovarian Cancer. Identifiers: Orphanet 145, MedGen C2675520, MONDO:0012933, OMIM 612555. Disease mechanism: loss of function.

Allele frequency attached by ClinVar (database versions not stated): gnomAD exomes below 0.00001.
gnomAD v4.1: 2 of 1,613,884 alleles (0.00012%); highest among the groups gnomAD compares: East Asian, 0.0022%; no homozygotes.

Submissions (6):

Labcorp Genetics (formerly Invitae), Labcorp
Classification: Uncertain significance for Hereditary breast ovarian cancer syndrome. Last evaluated: 2025-04-17. Review status: criteria provided, single submitter. Criteria: Invitae Variant Classification Sherloc (09022015). Collection method: clinical testing. Allele origin: germline.
Comment: This sequence change replaces isoleucine, which is neutral and non-polar, with valine, which is neutral and non-polar, at codon 1903 of the BRCA2 protein (p.Ile1903Val). This variant is not present in population databases (gnomAD no frequency). This missense change has been observed in individual(s) with clinical features of BRCA2-related conditions (PMID: 21520333, 30287823). ClinVar contains an entry for this variant (Variation ID: 232588). Invitae Evidence Modeling of protein sequence and biophysical properties (such as structural, functional, and spatial information, amino acid conservation, physicochemical variation, residue mobility, and thermodynamic stability) indicates that this missense variant is not expected to disrupt BRCA2 protein function with a negative predictive value of 95%. In summary, the available evidence is currently insufficient to determine the role of this variant in disease. Therefore, it has been classified as a Variant of Uncertain Significance.

Ambry Genetics
Classification: Uncertain significance for Hereditary cancer-predisposing syndrome. Last evaluated: 2024-12-12. Review status: criteria provided, single submitter. Criteria: Ambry Variant Classification Scheme 2023. Collection method: clinical testing. Allele origin: germline.
Comment: The p.I1903V variant (also known as c.5707A>G), located in coding exon 10 of the BRCA2 gene, results from an A to G substitution at nucleotide position 5707. The isoleucine at codon 1903 is replaced by valine, an amino acid with highly similar properties. This variant was not observed in 7,051 unselected female breast cancer patients or 53 male breast cancer patients, but was detected in 1/11,241 female controls and 1/12,490 male controls of Japanese ancestry (Momozawa Y et al. Nat Commun, 2018 Oct;9:4083). This amino acid position is not well conserved in available vertebrate species. In addition, this alteration is predicted to be tolerated by in silico analysis. Based on the available evidence, the clinical significance of this variant remains unclear.

KCCC/NGS Laboratory, Kuwait Cancer Control Center
Classification: Uncertain significance for Breast-ovarian cancer, familial, susceptibility to, 2. Last evaluated: 2024-04-03. Review status: criteria provided, single submitter. Criteria: ACMG Guidelines, 2015. Collection method: clinical testing. Allele origin: germline. Inheritance: Autosomal dominant inheritance. Affected: yes. Observed: 1 heterozygote.
Comment: This sequence change replaces isoleucine, which is neutral and non-polar, with valine, which is neutral and non-polar, at codon 1903 of the BRCA2 protein (p.Ile1903Val).This amino acid position is not well conserved .This variant is not present in population databases (gnomAD no frequency). This missense change has been observed in individual(s) with clinical features of BRCA2-related conditions (PMID: 21520333, 30287823). ClinVar contains an entry for this variant (Variation ID: 232588). In addition, this alteration is predicted to be tolerated by in silico analysis. In summary, the available evidence is currently insufficient to determine the role of this variant in disease. Therefore, it has been classified as a Variant of Uncertain Significance.

University of Washington Department of Laboratory Medicine, University of Washington
Classification: Likely benign for Hereditary cancer-predisposing syndrome. Last evaluated: 2023-03-23. Review status: criteria provided, single submitter. Criteria: Dines et al. (Genet Med. 2020). Collection method: curation. Allele origin: germline.
Comment: Missense variant in a coldspot region where missense variants are very unlikely to be pathogenic (PMID:31911673).

BRCA2 exon 11 coldspot. Reclassification based on statistical prior probability.

Quest Diagnostics Nichols Institute San Juan Capistrano
Classification: Uncertain significance. Last evaluated: 2018-01-12. Review status: criteria provided, single submitter. Criteria: Quest Diagnostics criteria. Collection method: clinical testing. Allele origin: germline.

Laboratory of Medical Genetics Unit, Bambino Gesù Children's Hospital
Classification: Uncertain significance for Medulloblastoma. Review status: criteria provided, single submitter. Criteria: ACMG Guidelines, 2015. Collection method: research. Allele origin: germline. Affected: yes.
Comment: The variant NM_000059.4 (BRCA2): c.5707A>G (p.Ile1903Val) is not reported in GnomAD. It is reported in literature. It is annotated on Clinvar as vus/likely benign associated with Hereditary Cancer-predisposing Syndrome [RCV000220000] and Hereditary Breast Ovarian Cancer Syndrome [RCV000791836]. It is classified as VUS variant following the ACMG criteria (PM2).

Literature cited by the submitters: PubMed 21520333 (cited by Labcorp Genetics (formerly Invitae), Labcorp); PubMed 30287823 (cited by Labcorp Genetics (formerly Invitae), Labcorp and Ambry Genetics).